The following is an entry in ClinVar:

ClinVar aggregate classification (germline): Likely benign (1 of 4 stars; one submission).

Submission:

GeneDx
Classification: Likely benign. Last evaluated: 2017-10-19. Review status: criteria provided, single submitter. Criteria: GeneDx Variant Classification (06012015). Collection method: clinical testing. Allele origin: germline. Affected: yes.
Comment: This variant is considered likely benign or benign based on one or more of the following criteria: it is a conservative change, it occurs at a poorly conserved position in the protein, it is predicted to be benign by multiple in silico algorithms, and/or has population frequency not consistent with disease.

NM_006736.6(DNAJB2):c.-37+10G>C

Genes: DNAJB2 (DnaJ heat shock protein family (Hsp40) member B2; plus strand), LOC129935648 (ATAC-STARR-seq lymphoblastoid silent region 12352; plus strand). Cytogenetic location: 2q35.
Variant type: single nucleotide variant.
Coding change: c.-37+10G>C on transcript NM_006736.6 (MANE Select); 10 bases into the intron after 37 bases upstream of the start codon, G replaced by C.
Molecular consequence: intron variant.
Genome position (GRCh38, 1-based): chr2:219,279,528, G>C. VCF-style: chr2-219279528-G-C. GRCh37 (hg19) VCF-style: chr2-220144250-G-C.
Other names: c.-37+10G>C (NM_001039550.2).
Identifiers: ClinVar variation 512511 (VCV000512511.1), dbSNP rs1553574829, ClinGen allele CA658796177.